The following is an entry in ClinVar:

ClinVar aggregate classification (germline): Conflicting classifications of pathogenicity. Review status: criteria provided, conflicting classifications (1 of 4 stars). 3 submissions from 3 submitters: Uncertain significance (2); Likely benign (1). Last evaluated 2025-11-01.

Conditions:
Cowden syndrome 6 (CWS6). Identifiers: Orphanet 201, MedGen C3554519, MONDO:0014048, OMIM 615109.
Inborn genetic diseases. Identifiers: MedGen C0950123, MeSH D030342.

Allele frequency attached by ClinVar (database versions not stated): gnomAD exomes below 0.00001; TOPMed 0.00001.
gnomAD v4.1: 11 of 1,613,884 alleles (0.00068%); highest among the groups gnomAD compares: East Asian, 0.0067%; no homozygotes.

Submissions (3):

CeGaT Center for Human Genetics Tuebingen
Classification: Likely benign. Last evaluated: 2025-11-01. Review status: criteria provided, single submitter. Criteria: CeGaT Center For Human Genetics Tuebingen Variant Classification Criteria Version 2. Collection method: clinical testing. Allele origin: germline. Affected: yes. Observed: 1 variant allele.
Comment: AKT1: BP4

Ambry Genetics
Classification: Uncertain significance for Inborn genetic diseases. Last evaluated: 2023-09-19. Review status: criteria provided, single submitter. Criteria: Ambry Variant Classification Scheme 2023. Collection method: clinical testing. Allele origin: germline.
Comment: The p.V412M variant (also known as c.1234G>A), located in coding exon 11 of the AKT1 gene, results from a G to A substitution at nucleotide position 1234. The valine at codon 412 is replaced by methionine, an amino acid with highly similar properties. This amino acid position is conserved. In addition, this alteration is predicted to be tolerated by in silico analysis. Since supporting evidence is limited at this time, the clinical significance of this alteration remains unclear.

Labcorp Genetics (formerly Invitae), Labcorp
Classification: Uncertain significance for Cowden syndrome 6. Last evaluated: 2023-06-29. Review status: criteria provided, single submitter. Criteria: Invitae Variant Classification Sherloc (09022015). Collection method: clinical testing. Allele origin: germline.
Comment: ClinVar contains an entry for this variant (Variation ID: 950518). This sequence change replaces valine, which is neutral and non-polar, with methionine, which is neutral and non-polar, at codon 412 of the AKT1 protein (p.Val412Met). This variant is present in population databases (no rsID available, gnomAD 0.006%). This variant has not been reported in the literature in individuals affected with AKT1-related conditions. An algorithm developed to predict the effect of missense changes on protein structure and function (PolyPhen-2) suggests that this variant is likely to be tolerated. In summary, the available evidence is currently insufficient to determine the role of this variant in disease. Therefore, it has been classified as a Variant of Uncertain Significance.

NM_001382430.1(AKT1):c.1234G>A (p.Val412Met)

Gene: AKT1 (AKT serine/threonine kinase 1; minus strand). Cytogenetic location: 14q32.33.
Variant type: single nucleotide variant.
Coding change: c.1234G>A on transcript NM_001382430.1 (MANE Select); coding-DNA position 1234, G replaced by A.
Protein change: p.Val412Met; replaces valine 412 with methionine.
Molecular consequence: missense variant.
Genome position (GRCh38, 1-based): chr14:104,772,391, C>T on the plus strand (G>A on the coding strand, the complement: AKT1 is on the minus strand). VCF-style: chr14-104772391-C-T. GRCh37 (hg19) VCF-style: chr14-105238728-C-T.
Other names: c.1234G>A, p.Val412Met (NM_001014431.2, NM_001014432.2, NM_001382431.1 and 3 more transcripts); short protein forms V412M.
Identifiers: ClinVar variation 950518 (VCV000950518.15), dbSNP rs1444891733, ClinGen allele CA391216165.